The following is an entry in ClinVar:

ClinVar aggregate classification (germline): Conflicting classifications of pathogenicity. Review status: criteria provided, conflicting classifications (1 of 4 stars). 4 submissions from 4 submitters: Uncertain significance (3); Likely benign (1). Last evaluated 2025-04-07.

Conditions:
Lynch syndrome. Identifiers: Orphanet 144, MedGen C4552100, MONDO:0005835. Disease mechanism: loss of function.
Endometrial carcinoma. Also called: Endometrial carcinoma, somatic. Identifiers: MedGen C0476089, MONDO:0002447, OMIM 608089, HP:0012114.
Hereditary cancer-predisposing syndrome. Also called: Tumor predisposition; Hereditary Cancer Syndrome; Hereditary neoplastic syndrome; Neoplastic Syndromes, Hereditary. Identifiers: Orphanet 140162, MedGen C0027672, MeSH D009386, MONDO:0015356.
Hereditary nonpolyposis colorectal neoplasms. Identifiers: MedGen C0009405, MeSH D003123.

Allele frequency attached by ClinVar (database versions not stated): TOPMed 0.00001.
gnomAD v4.1: 6 of 1,571,690 alleles (0.00038%); highest among the groups gnomAD compares: Non-Finnish European, 0.00043%; no homozygotes.

Submissions (4):

Ambry Genetics
Classification: Uncertain significance for Hereditary cancer-predisposing syndrome. Last evaluated: 2025-04-07. Review status: criteria provided, single submitter. Criteria: Ambry Variant Classification Scheme 2023. Collection method: clinical testing. Allele origin: germline.
Comment: The p.R988P variant (also known as c.2963G>C), located in coding exon 4 of the MSH6 gene, results from a G to C substitution at nucleotide position 2963. The arginine at codon 988 is replaced by proline, an amino acid with dissimilar properties. This amino acid position is not well conserved in available vertebrate species. In addition, this alteration is predicted to be deleterious by in silico analysis. Since supporting evidence is limited at this time, the clinical significance of this alteration remains unclear.

Labcorp Genetics (formerly Invitae), Labcorp
Classification: Likely benign for Hereditary nonpolyposis colorectal neoplasms. Last evaluated: 2024-07-09. Review status: criteria provided, single submitter. Criteria: Invitae Variant Classification Sherloc (09022015). Collection method: clinical testing. Allele origin: germline.

Baylor Genetics
Classification: Uncertain significance for Endometrial carcinoma. Last evaluated: 2024-01-01. Review status: criteria provided, single submitter. Criteria: ACMG Guidelines, 2015. Collection method: clinical testing. Allele origin: unknown.

All of Us Research Program, National Institutes of Health
Classification: Uncertain significance for Lynch syndrome. Last evaluated: 2023-09-09. Review status: criteria provided, single submitter. Criteria: ACMG Guidelines, 2015. Collection method: clinical testing. Allele origin: germline. Inheritance: Autosomal dominant inheritance. Observed: 2 variant alleles, 2 heterozygotes.
Comment: This missense variant replaces arginine with proline at codon 988 of the MSH6 protein. Computational prediction is inconclusive regarding the impact of this variant on protein structure and function (internally defined REVEL score threshold 0.5 < inconclusive < 0.7, PMID: 27666373). To our knowledge, functional studies have not been reported for this variant. This variant has not been reported in individuals affected with MSH6-related disorders in the literature. This variant has been identified in 1/217126 chromosomes in the general population by the Genome Aggregation Database (gnomAD). The available evidence is insufficient to determine the role of this variant in disease conclusively. Therefore, this variant is classified as a Variant of Uncertain Significance.

This study involves interpretation of variants in research participants for the purpose of population health screening. Participant phenotype was not available at the time of variant classification. Additional details can be found in publication PMID: 35346344, PMCID: PMC8962531

NM_000179.3(MSH6):c.2963G>C (p.Arg988Pro)

Gene: MSH6 (mutS homolog 6; plus strand). Cytogenetic location: 2p16.3.
Variant type: single nucleotide variant.
Coding change: c.2963G>C on transcript NM_000179.3 (MANE Select); coding-DNA position 2963, G replaced by C.
Protein change: p.Arg988Pro; replaces arginine 988 with proline.
Molecular consequence: missense variant.
Genome position (GRCh38, 1-based): chr2:47,800,946, G>C. VCF-style: chr2-47800946-G-C. GRCh37 (hg19) VCF-style: chr2-48028085-G-C.
Other names: c.2573G>C, p.Arg858Pro (NM_001281492.2); c.2057G>C, p.Arg686Pro (NM_001281493.2, NM_001281494.2); short protein forms R988P, R686P, R858P.
Identifiers: ClinVar variation 410482 (VCV000410482.13), dbSNP rs115386788, ClinGen allele CA069882.